The following is an entry in ClinVar:

ClinVar aggregate classification (germline): Uncertain significance (1 of 4 stars; one submission).

gnomAD v4.1: 2 of 1,614,022 alleles (0.00012%); highest among the groups gnomAD compares: Non-Finnish European, 0.00017%; no homozygotes.

Submission:

Dasa
Classification: Uncertain significance. Last evaluated: 2026-02-02. Review status: criteria provided, single submitter. Criteria: DASA Assertion Criteria. Collection method: clinical testing. Allele origin: germline.
Comment: NM_000553.6(WRN):c.2386G>A (p.Ala796Thr) is a missense variant that results in the substitution of alanine with threonine. This variant is rare in population databases. The currently available literature and clinical evidence are not sufficient to establish a definitive association between this variant and the reported condition. Therefore, this variant is classified as a variant of uncertain significance.

NM_000553.6(WRN):c.2386G>A (p.Ala796Thr)

Gene: WRN (WRN RecQ like helicase; plus strand). Cytogenetic location: 8p12.
Variant type: single nucleotide variant.
Coding change: c.2386G>A on transcript NM_000553.6 (MANE Select); coding-DNA position 2386, G replaced by A.
Protein change: p.Ala796Thr; replaces alanine 796 with threonine.
Molecular consequence: missense variant.
Genome position (GRCh38, 1-based): chr8:31,116,466, G>A. VCF-style: chr8-31116466-G-A. GRCh37 (hg19) VCF-style: chr8-30973982-G-A.
Other names: short protein forms A796T.
Identifiers: ClinVar variation 4881413 (VCV004881413.2).